The following is an entry in ClinVar:

ClinVar aggregate classification (germline): Pathogenic/Likely pathogenic. Review status: criteria provided, multiple submitters, no conflicts (2 of 4 stars). 4 submissions from 4 submitters: Pathogenic (2); Likely pathogenic (1). 1 of the submissions does not count toward it. Last evaluated 2021-04-16.

Conditions:
Frontotemporal dementia (FTD1). Also called: Frontotemporal lobe dementia (FLDEM); FRONTOTEMPORAL LOBAR DEGENERATION WITH TAU INCLUSIONS; FTLD WITH TAU INCLUSIONS; WILHELMSEN-LYNCH DISEASE; Dementia, frontotemporal, with or without parkinsonism; Frontotemporal Dementia with Parkinsonism-17 (FTDP-17). Identifiers: Orphanet 282, MedGen C0338451, MONDO:0017276, OMIM 600274, HP:0002145.
Pick disease. Also called: Pick Disease of the Brain; PICK DISEASE OF BRAIN; Pick's disease; DEMENTIA WITH LOBAR ATROPHY AND NEURONAL CYTOPLASMIC INCLUSIONS; LOBAR ATROPHY OF BRAIN. Identifiers: Orphanet 282, MedGen C0236642, MONDO:0008243, OMIM 172700.

Allele frequency attached by ClinVar (database versions not stated): gnomAD exomes below 0.00001 and 0.00001; ExAC 0.00002.
gnomAD v4.1: 7 of 1,614,080 alleles (0.00043%); highest among the groups gnomAD compares: Non-Finnish European, 0.00059%; no homozygotes.

Submissions (4):

Labcorp Genetics (formerly Invitae), Labcorp
Classification: Pathogenic for Frontotemporal dementia. Last evaluated: 2021-04-16. Review status: criteria provided, single submitter. Criteria: Invitae Variant Classification Sherloc (09022015). Collection method: clinical testing. Allele origin: germline.
Comment: For these reasons, this variant has been classified as Pathogenic. Experimental studies have shown that this variant affects MAPT protein function (PMID: 23043292, 11117542). This variant has been observed in individual(s) with frontotemporal dementia (PMID: 11117542, 27802239, 18067537, 30090657). ClinVar contains an entry for this variant (Variation ID: 14255). This variant is present in population databases (rs63750512, ExAC 0.003%). This sequence change replaces glycine with arginine at codon 389 of the MAPT protein (p.Gly389Arg). The glycine residue is highly conserved and there is a moderate physicochemical difference between glycine and arginine.

Athena Diagnostics
Classification: Likely pathogenic. Last evaluated: 2017-05-16. Review status: criteria provided, single submitter. Criteria: Athena Diagnostics Criteria. Collection method: clinical testing. Allele origin: germline.

Human Genome Lab, NIMHANS, National Institute of Mental Health and Neuro Sciences
Classification: Pathogenic for Frontotemporal dementia. Review status: criteria provided, single submitter. Criteria: ACMG Guidelines, 2015. Collection method: clinical testing. Allele origin: germline. Inheritance: Autosomal dominant inheritance. Affected: yes. Observed: 1 heterozygote.
Comment: The missense variant NM_001377265.1(MAPT):c.1165G>A (p.Glu389Lys) has not been reported previously as a pathogenic variant nor as a benign variant, to our knowledge. The p.Glu389Lys variant is novel (not in any individuals) in 1kG All. The p.Glu389Lys variant is novel (not in any individuals) in gnomAD (PM2). There is a small physicochemical difference between glutamic acid and lysine, which is not likely to impact secondary protein structure as these residues share similar properties. The gene MAPT has a low rate of benign missense variation as indicated by a high missense variants Z-Score of 2.48. The gene MAPT contains 17 pathogenic missense variants, indicating that missense variants are a common mechanism of disease in this gene (PP2). The p.Gly389Arg missense variant is predicted to be damaging by both SIFT and PolyPhen2. The glycine residue at codon 389 of MAPT is conserved in all mammalian species. The nucleotide c.1165 in MAPT is predicted conserved by GERP++ and PhyloP across 100 vertebrates (PP3). The p.Gly389Arg variant is a missense mutation resulting in an amino acid change which is shared by the previously classified pathogenic variant p.G389R (PS1). Patient's phenotype or family history is highly specific for a disease with a single genetic etiology (PP4). ACMG Criteria - PM2 PP2 PP3 PS1 PP4

OMIM
Classification: Pathogenic for PICK DISEASE. Last evaluated: 2000-12-01. Review status: no assertion criteria provided. Collection method: literature only. Allele origin: germline. Not counted in ClinVar's aggregate classification.

Literature cited by the submitters: PubMed 23043292 (cited by Labcorp Genetics (formerly Invitae), Labcorp and Athena Diagnostics); PubMed 11117542 (cited by 3 submitters); PubMed 27802239 (cited by Labcorp Genetics (formerly Invitae), Labcorp and Athena Diagnostics); PubMed 18067537 (cited by Labcorp Genetics (formerly Invitae), Labcorp and Athena Diagnostics); PubMed 30090657 (cited by Labcorp Genetics (formerly Invitae), Labcorp); PubMed 27582388 (cited by Athena Diagnostics); PubMed 11032905 (cited by Athena Diagnostics); PubMed 27641626 (cited by Athena Diagnostics); PubMed 10604746 (cited by Athena Diagnostics and OMIM).

NM_001377265.1(MAPT):c.2341G>A (p.Gly781Arg)

Gene: MAPT (microtubule associated protein tau). Cytogenetic location: 17q21.31.
Variant type: single nucleotide variant.
Coding change: c.2341G>A on transcript NM_001377265.1 (MANE Select); coding-DNA position 2341, G replaced by A.
Protein change: p.Gly781Arg; replaces glycine 781 with arginine.
Molecular consequence: missense variant. On other transcripts: non-coding transcript variant (1), intron variant (1).
Genome position (GRCh38, 1-based): chr17:46,024,010, G>A. VCF-style: chr17-46024010-G-A. GRCh37 (hg19) VCF-style: chr17-44101376-G-A.
Other names: c.2170G>A, p.Gly724Arg (NM_001123066.4); c.1078G>A, p.Gly360Arg (NM_001123067.4); c.985G>A, p.Gly329Arg (NM_001203251.2); c.1072G>A, p.Gly358Arg (NM_001203252.2); c.2050G>A, p.Gly684Arg (NM_001377266.1); c.898G>A, p.Gly300Arg (NM_001377268.1, NM_016841.5); c.1165G>A, p.Gly389Arg (NM_005910.6); c.991G>A, p.Gly331Arg (NM_016834.5); and 2 more; short protein forms G389R, G706R, G358R, G360R, G300R, G329R, G331R, G724R.
Identifiers: ClinVar variation 14255 (VCV000014255.10), dbSNP rs63750512, ClinGen allele CA257189.